The following is an entry in ClinVar:

NM_001540.5(HSPB1):c.502C>T (p.Pro168Ser)

Gene: HSPB1 (heat shock protein family B (small) member 1; plus strand). Cytogenetic location: 7q11.23.
Variant type: single nucleotide variant.
Coding change: c.502C>T on transcript NM_001540.5 (MANE Select); coding-DNA position 502, C replaced by T.
Protein change: p.Pro168Ser; replaces proline 168 with serine.
Molecular consequence: missense variant.
Genome position (GRCh38, 1-based): chr7:76,304,057, C>T. VCF-style: chr7-76304057-C-T. GRCh37 (hg19) VCF-style: chr7-75933374-C-T.
Other names: short protein forms P168S.
Identifiers: ClinVar variation 2791510 (VCV002791510.3), dbSNP rs2536151853, ClinGen allele CA367766047.

ClinVar aggregate classification (germline): Uncertain significance (1 of 4 stars; one submission).

Conditions:
Charcot-Marie-Tooth disease axonal type 2F (CMT2F). Also called: Charcot-Marie-Tooth Neuropathy Type 2F; CHARCOT-MARIE-TOOTH DISEASE, NEURONAL, TYPE 2F. Identifiers: Orphanet 99940, MedGen C1847823, MONDO:0011687, OMIM 606595.

Submission:

Labcorp Genetics (formerly Invitae), Labcorp
Classification: Uncertain significance for Charcot-Marie-Tooth disease axonal type 2F. Last evaluated: 2023-03-10. Review status: criteria provided, single submitter. Criteria: Invitae Variant Classification Sherloc (09022015). Collection method: clinical testing. Allele origin: germline.
Comment: This sequence change replaces proline, which is neutral and non-polar, with serine, which is neutral and polar, at codon 168 of the HSPB1 protein (p.Pro168Ser). This variant is not present in population databases (gnomAD no frequency). This variant has not been reported in the literature in individuals affected with HSPB1-related conditions. Advanced modeling of protein sequence and biophysical properties (such as structural, functional, and spatial information, amino acid conservation, physicochemical variation, residue mobility, and thermodynamic stability) has been performed at Invitae for this missense variant, however the output from this modeling did not meet the statistical confidence thresholds required to predict the impact of this variant on HSPB1 protein function. In summary, the available evidence is currently insufficient to determine the role of this variant in disease. Therefore, it has been classified as a Variant of Uncertain Significance.